The following is an entry in ClinVar:

ClinVar aggregate classification (germline): Pathogenic. Review status: criteria provided, multiple submitters, no conflicts (2 of 4 stars). 2 submissions from 2 submitters: Pathogenic (2). Last evaluated 2025-09-15.

Conditions:
Hereditary cancer-predisposing syndrome. Also called: Hereditary Cancer Syndrome; Tumor predisposition; Hereditary neoplastic syndrome; Neoplastic Syndromes, Hereditary. Identifiers: Orphanet 140162, MedGen C0027672, MeSH D009386, MONDO:0015356.
BAP1-related tumor predisposition syndrome (TPDS1). Also called: COMMON Syndrome; BAP1 tumor predisposition syndrome; Tumor susceptibility linked to germline BAP1 mutations; TUMOR PREDISPOSITION SYNDROME 1. Identifiers: Orphanet 289539, MedGen C3280492, MONDO:0013692, OMIM 614327.

Submissions (2):

Ambry Genetics
Classification: Pathogenic for Hereditary cancer-predisposing syndrome. Last evaluated: 2025-09-15. Review status: criteria provided, single submitter. Criteria: Ambry Variant Classification Scheme 2023. Collection method: clinical testing. Allele origin: germline.
Comment: The c.49dupC variant, located in coding exon 2 of the BAP1 gene, results from a duplication of C at nucleotide position 49, causing a translational frameshift with a predicted alternate stop codon (p.L17Pfs*52). This variant is considered to be rare based on population cohorts in the Genome Aggregation Database (gnomAD). This alteration is expected to result in loss of function by premature protein truncation or nonsense-mediated mRNA decay. As such, this alteration is interpreted as a disease-causing mutation.

Labcorp Genetics (formerly Invitae), Labcorp
Classification: Pathogenic for BAP1-related tumor predisposition syndrome. Last evaluated: 2021-07-31. Review status: criteria provided, single submitter. Criteria: Invitae Variant Classification Sherloc (09022015). Collection method: clinical testing. Allele origin: germline.
Comment: For these reasons, this variant has been classified as Pathogenic. This variant has not been reported in the literature in individuals with BAP1-related conditions. This variant is not present in population databases (ExAC no frequency). This sequence change creates a premature translational stop signal (p.Leu17Profs*52) in the BAP1 gene. It is expected to result in an absent or disrupted protein product. Loss-of-function variants in BAP1 are known to be pathogenic (PMID: 21874000, 23684012).

Literature cited by the submitters: PubMed 21874000 (cited by Labcorp Genetics (formerly Invitae), Labcorp); PubMed 23684012 (cited by Labcorp Genetics (formerly Invitae), Labcorp).

NM_004656.4(BAP1):c.49dup (p.Leu17fs)

Gene: BAP1 (BRCA1 associated deubiquitinase 1; minus strand). Cytogenetic location: 3p21.1.
Variant type: Duplication.
Coding change: c.49dup on transcript NM_004656.4 (MANE Select); coding-DNA position 49, one base duplicated (C; older notation c.49dupC).
Protein change: p.Leu17fs; shifts the reading frame from leucine 17.
Molecular consequence: frameshift variant.
Genome position (GRCh38, 1-based): chr3:52,409,732, G duplicated on the plus strand (C on the coding strand, the reverse complement: BAP1 is on the minus strand); the first of 3 consecutive G bases (chr3:52,409,732-52,409,734); duplicating any one gives the same sequence. VCF-style (leftmost placement, unchanged base first): chr3-52409731-A-AG. GRCh37 (hg19) VCF-style: chr3-52443747-A-AG.
Other names: c.49dupC (NM_004656.2); short protein forms L17fs.
Identifiers: ClinVar variation 1417901 (VCV001417901.7), dbSNP rs2153228628, ClinGen allele CA2573137311.